The following is an entry in ClinVar:

ClinVar aggregate classification (germline): Uncertain significance. Review status: criteria provided, multiple submitters, no conflicts (2 of 4 stars). 2 submissions from 2 submitters: Uncertain significance (2). Last evaluated 2025-02-22.

Conditions:
Hereditary cancer-predisposing syndrome. Also called: Neoplastic Syndromes, Hereditary; Tumor predisposition; Hereditary neoplastic syndrome; Hereditary Cancer Syndrome. Identifiers: Orphanet 140162, MedGen C0027672, MeSH D009386, MONDO:0015356.
Bloom syndrome (BLM). Also called: Bloom-Torre-Machacek syndrome. Identifiers: Orphanet 125, MedGen C0005859, MONDO:0008876, OMIM 210900.

gnomAD v4.1: 1 of 1,613,806 alleles (0.000062%); no homozygotes.

Submissions (2):

Ambry Genetics
Classification: Uncertain significance for Hereditary cancer-predisposing syndrome. Last evaluated: 2025-02-22. Review status: criteria provided, single submitter. Criteria: Ambry Variant Classification Scheme 2023. Collection method: clinical testing. Allele origin: germline.
Comment: The p.T691I variant (also known as c.2072C>T), located in coding exon 7 of the BLM gene, results from a C to T substitution at nucleotide position 2072. The threonine at codon 691 is replaced by isoleucine, an amino acid with similar properties. This amino acid position is conserved. In addition, this alteration is predicted to be deleterious by in silico analysis. Based on the available evidence, the clinical significance of this variant remains unclear.

Labcorp Genetics (formerly Invitae), Labcorp
Classification: Uncertain significance for Bloom syndrome. Last evaluated: 2024-11-10. Review status: criteria provided, single submitter. Criteria: Invitae Variant Classification Sherloc (09022015). Collection method: clinical testing. Allele origin: germline.
Comment: This sequence change replaces threonine, which is neutral and polar, with isoleucine, which is neutral and non-polar, at codon 691 of the BLM protein (p.Thr691Ile). This variant is not present in population databases (gnomAD no frequency). This variant has not been reported in the literature in individuals affected with BLM-related conditions. ClinVar contains an entry for this variant (Variation ID: 840734). An algorithm developed to predict the effect of missense changes on protein structure and function (PolyPhen-2) suggests that this variant is likely to be disruptive. In summary, the available evidence is currently insufficient to determine the role of this variant in disease. Therefore, it has been classified as a Variant of Uncertain Significance.

NM_000057.4(BLM):c.2072C>T (p.Thr691Ile)

Gene: BLM (BLM RecQ like helicase; plus strand). Cytogenetic location: 15q26.1.
Variant type: single nucleotide variant.
Coding change: c.2072C>T on transcript NM_000057.4 (MANE Select); coding-DNA position 2072, C replaced by T.
Protein change: p.Thr691Ile; replaces threonine 691 with isoleucine.
Molecular consequence: missense variant.
Genome position (GRCh38, 1-based): chr15:90,763,155, C>T. VCF-style: chr15-90763155-C-T. GRCh37 (hg19) VCF-style: chr15-91306385-C-T.
Other names: c.2072C>T, p.Thr691Ile (NM_001287246.2, NM_001287247.2); c.947C>T, p.Thr316Ile (NM_001287248.2); c.2072C>T (NM_000057.2); short protein forms T316I, T691I.
Identifiers: ClinVar variation 840734 (VCV000840734.10), dbSNP rs1896032772, ClinGen allele CA393844492.